The following is an entry in ClinVar:

ClinVar aggregate classification (germline): Conflicting classifications of pathogenicity. Review status: criteria provided, conflicting classifications (1 of 4 stars). 5 submissions from 5 submitters: Uncertain significance (2); Likely benign (3). Last evaluated 2026-02-01.

Conditions:
Retinitis pigmentosa (RP). Identifiers: Orphanet 791, MedGen C0035334, MeSH D012174, MONDO:0019200, OMIM 268000. Inheritance: Autosomal dominant, autosomal recessive and X linked inheritance.
CNGA1-related disorder. Also called: CNGA1-related condition.

Allele frequency attached by ClinVar (database versions not stated): gnomAD exomes 0.00024 and 0.00043; gnomAD 0.00030 and 0.00031; TOPMed 0.00036; 1000 Genomes Project 0.00060; 1000 Genomes Project 30x 0.00062; ExAC 0.00041; ESP Exome Variant Server 0.00042.

Submissions (5):

CeGaT Center for Human Genetics Tuebingen
Classification: Uncertain significance. Last evaluated: 2026-02-01. Review status: criteria provided, single submitter. Criteria: CeGaT Center For Human Genetics Tuebingen Variant Classification Criteria Version 2. Collection method: clinical testing. Allele origin: germline. Affected: yes. Observed: 1 variant allele.
Comment: CNGA1: PM2, PP3, BP5

Labcorp Genetics (formerly Invitae), Labcorp
Classification: Likely benign. Last evaluated: 2026-01-26. Review status: criteria provided, single submitter. Criteria: Invitae Variant Classification Sherloc (09022015). Collection method: clinical testing. Allele origin: germline.

PreventionGenetics, part of Exact Sciences
Classification: Likely benign for CNGA1-related condition. Last evaluated: 2024-10-28. Review status: criteria provided, single submitter. Criteria: ACMG Guidelines, 2015. Collection method: clinical testing. Allele origin: germline.
Comment: This variant is classified as likely benign based on ACMG/AMP sequence variant interpretation guidelines (Richards et al. 2015 PMID: 25741868, with internal and published modifications).

Blueprint Genetics
Classification: Likely benign. Last evaluated: 2024-09-15. Review status: criteria provided, single submitter. Criteria: ACMG Guidelines, 2015. Collection method: clinical testing. Allele origin: germline.

Illumina Laboratory Services, Illumina
Classification: Uncertain significance for Retinitis pigmentosa. Last evaluated: 2018-01-13. Review status: criteria provided, single submitter. Criteria: ICSL Variant Classification Criteria 13 December 2019. Collection method: clinical testing. Allele origin: germline.

NM_001379270.1(CNGA1):c.1058C>T (p.Thr353Ile)

Genes: CNGA1 (cyclic nucleotide gated channel subunit alpha 1; minus strand), LOC101927157 (uncharacterized LOC101927157; plus strand). Cytogenetic location: 4p12.
Variant type: single nucleotide variant.
Coding change: c.1058C>T on transcript NM_001379270.1 (MANE Select); coding-DNA position 1058, C replaced by T.
Protein change: p.Thr353Ile; replaces threonine 353 with isoleucine.
Molecular consequence: missense variant.
Genome position (GRCh38, 1-based): chr4:47,937,424, G>A on the plus strand (C>T on the coding strand, the complement: CNGA1 is on the minus strand). VCF-style: chr4-47937424-G-A. GRCh37 (hg19) VCF-style: chr4-47939441-G-A.
Other names: c.1058C>T, p.Thr353Ile (NM_000087.5, NM_001142564.2); short protein forms T353I.
Identifiers: ClinVar variation 901408 (VCV000901408.18), dbSNP rs183197573, ClinGen allele CA2911141.